The following is an entry in ClinVar:

NM_000400.4(ERCC2):c.1172T>C (p.Leu391Pro)

Gene: ERCC2 (ERCC excision repair 2, TFIIH core complex helicase subunit; minus strand). Cytogenetic location: 19q13.32.
Variant type: single nucleotide variant.
Coding change: c.1172T>C on transcript NM_000400.4 (MANE Select); coding-DNA position 1172, T replaced by C.
Protein change: p.Leu391Pro; replaces leucine 391 with proline.
Molecular consequence: missense variant.
Genome position (GRCh38, 1-based): chr19:45,361,589, A>G on the plus strand (T>C on the coding strand, the complement: ERCC2 is on the minus strand). VCF-style: chr19-45361589-A-G. GRCh37 (hg19) VCF-style: chr19-45864847-A-G.
Other names: c.1100T>C, p.Leu367Pro (NM_001130867.2); short protein forms L367P, L391P.
Identifiers: ClinVar variation 3509821 (VCV003509821.1).

ClinVar aggregate classification (germline): Uncertain significance (1 of 4 stars; one submission).

Conditions:
Inborn genetic diseases. Identifiers: MedGen C0950123, MeSH D030342.

Submission:

Ambry Genetics
Classification: Uncertain significance for Inborn genetic diseases. Last evaluated: 2024-06-25. Review status: criteria provided, single submitter. Criteria: Ambry Variant Classification Scheme 2023. Collection method: clinical testing. Allele origin: germline.
Comment: The p.L391P variant (also known as c.1172T>C), located in coding exon 12 of the ERCC2 gene, results from a T to C substitution at nucleotide position 1172. The leucine at codon 391 is replaced by proline, an amino acid with similar properties. This amino acid position is conserved. In addition, the in silico prediction for this alteration is inconclusive. Based on the available evidence, the clinical significance of this variant remains unclear.